The following is an entry in ClinVar:

NM_001267550.2(TTN):c.22090C>T (p.Arg7364Trp)

Gene: TTN (titin; minus strand). Cytogenetic location: 2q31.2.
Variant type: single nucleotide variant.
Coding change: c.22090C>T on transcript NM_001267550.2 (MANE Select); coding-DNA position 22090, C replaced by T.
Protein change: p.Arg7364Trp; replaces arginine 7364 with tryptophan.
Molecular consequence: missense variant. On other transcripts: intron variant (3).
Genome position (GRCh38, 1-based): chr2:178,722,809, G>A on the plus strand (C>T on the coding strand, the complement: TTN is on the minus strand). VCF-style: chr2-178722809-G-A. GRCh37 (hg19) VCF-style: chr2-179587536-G-A.
Other names: p.R7047W:CGG>TGG; c.21139C>T, p.Arg7047Trp (NM_001256850.1); c.18358C>T, p.Arg6120Trp (NM_133378.4); c.13282+15273C>T (NM_003319.4); c.13858+15273C>T (NM_133437.4); c.13657+15273C>T (NM_133432.3); short protein forms R7364W, R6120W, R7047W.
Identifiers: ClinVar variation 46696 (VCV000046696.58), dbSNP rs397517500, ClinGen allele CA138988.

ClinVar aggregate classification (germline): Conflicting classifications of pathogenicity. Review status: criteria provided, conflicting classifications (1 of 4 stars). 13 submissions from 13 submitters: Uncertain significance (8); Likely benign (3). 2 of the submissions do not count toward it. Last evaluated 2024-03-11.

Conditions:
Dilated cardiomyopathy 1G (CMD1G). Identifiers: Orphanet 154, MedGen C1858763, MONDO:0011400, OMIM 604145.
Autosomal recessive limb-girdle muscular dystrophy type 2J (LGMDR10). Also called: Limb-girdle muscular dystrophy, type 2J; MUSCULAR DYSTROPHY, LIMB-GIRDLE, AUTOSOMAL RECESSIVE 10. Identifiers: Orphanet 140922, MedGen C1837342, MONDO:0012127, OMIM 608807.
Myopathy, myofibrillar, 9, with early respiratory failure (MFM9). Also called: Hereditary myopathy with early respiratory failure; Myopathy, distal, with early respiratory failure, autosomal dominant; EDSTROM MYOPATHY; MYOPATHY, PROXIMAL, WITH EARLY RESPIRATORY MUSCLE INVOLVEMENT. Identifiers: Orphanet 178464, Orphanet 34521, MedGen C1863599, MONDO:0011362, OMIM 603689.
Tibial muscular dystrophy (TMD). Also called: Udd Distal Myopathy – Tibial Muscular Dystrophy; Tibial muscular dystrophy, tardive; UDD MYOPATHY. Identifiers: Orphanet 609, MedGen C1838244, MONDO:0010870, OMIM 600334.
Early-onset myopathy with fatal cardiomyopathy (CMYO5). Also called: Salih Myopathy; CONGENITAL MYOPATHY 5 WITH CARDIOMYOPATHY. Identifiers: Orphanet 289377, MedGen C2673677, MONDO:0012714, OMIM 611705. Disease mechanism: loss of function.
Hypertrophic cardiomyopathy 9. Also called: Familial hypertrophic cardiomyopathy 9. Identifiers: MedGen C1861065, MONDO:0013412, OMIM 613765.
Cardiomyopathy (CMYO). Also called: Cardiomyopathies. Identifiers: Orphanet 167848, MedGen C0878544, MONDO:0004994, HP:0001638. Inheritance: Various modes of inheritance.
Primary dilated cardiomyopathy (DCM). Also called: Dilated Cardiomyopathy. Identifiers: Orphanet 217604, MedGen C0007193, MeSH D002311, MONDO:0005021, HP:0001644. Inheritance: Various modes of inheritance.

Allele frequency attached by ClinVar (database versions not stated): gnomAD exomes 0.00006 and 0.00010; ExAC 0.00010; gnomAD 0.00011 and 0.00012; TOPMed 0.00012.
gnomAD v4.1: 105 of 1,613,118 alleles (0.0065%); highest among the groups gnomAD compares: South Asian, 0.045%; no homozygotes.

Submissions (13):

Revvity Omics, Revvity
Classification: Uncertain significance. Last evaluated: 2024-03-11. Review status: criteria provided, single submitter. Criteria: ACMG Guidelines, 2015. Collection method: clinical testing. Allele origin: germline.

Women's Health and Genetics/Laboratory Corporation of America, LabCorp
Classification: Likely benign. Last evaluated: 2024-01-30. Review status: criteria provided, single submitter. Criteria: LabCorp Variant Classification Summary - May 2015. Collection method: clinical testing. Allele origin: germline.
Comment: Variant summary: TTN c.18358C>T (p.Arg6120Trp) results in a non-conservative amino acid change located in the I-band region of the encoded protein sequence. Two of four in-silico tools predict a benign effect of the variant on protein function. The variant allele was found at a frequency of 0.0001 in 248334 control chromosomes, predominantly at a frequency of 0.00059 within the South Asian subpopulation in the gnomAD database. The observed variant frequency within South Asian control individuals in the gnomAD database is approximately 2 fold of the estimated maximal expected allele frequency for a pathogenic variant in TTN causing Dilated Cardiomyopathy phenotype (0.00039), strongly suggesting that the variant is a benign polymorphism found primarily in populations of South Asian origin. c.18358C>T has been reported in the literature in individuals affected with Dilated Cardiomyopathy and non-phenotypic individuals receiving DCM/Arthrogryposis multiplex congenita panel testings (examples, Burstein_2021, Laquerriere_2022, Pugh_2014), without strong evidence for causality. These report(s) do not provide unequivocal conclusions about association of the variant with Dilated Cardiomyopathy. To our knowledge, no experimental evidence demonstrating an impact on protein function has been reported. The following publications have been ascertained in the context of this evaluation (PMID: 32746448, 33820833, 24503780). ClinVar contains an entry for this variant (Variation ID: 46696). Based on the evidence outlined above, the variant was classified as likely benign.

Blueprint Genetics
Classification: Likely benign. Last evaluated: 2023-10-23. Review status: criteria provided, single submitter. Criteria: ACMG Guidelines, 2015. Collection method: clinical testing. Allele origin: germline.

CHEO Genetics Diagnostic Laboratory, Children's Hospital of Eastern Ontario
Classification: Likely benign for Cardiomyopathy. Last evaluated: 2023-06-23. Review status: criteria provided, single submitter. Criteria: ACMG Guidelines, 2015. Collection method: clinical testing. Allele origin: germline.

Clinical Center for Gene Diagnosis and Therapy, Department of Cardiovascular Surgery, The Second Xiangya Hospital of Central South University
Classification: Uncertain significance for Primary dilated cardiomyopathy. Last evaluated: 2023-06-01. Review status: criteria provided, single submitter. Criteria: ACMG Guidelines, 2015. Collection method: clinical testing. Allele origin: germline. Affected: yes.

CeGaT Center for Human Genetics Tuebingen
Classification: Uncertain significance. Last evaluated: 2022-09-01. Review status: criteria provided, single submitter. Criteria: CeGaT Center For Human Genetics Tuebingen Variant Classification Criteria Version 2. Collection method: clinical testing. Allele origin: germline. Affected: yes. Observed: 1 variant allele.

Fulgent Genetics
Classification: Uncertain significance for Tibial muscular dystrophy; Myopathy, myofibrillar, 9, with early respiratory failure; Dilated cardiomyopathy 1G; Autosomal recessive limb-girdle muscular dystrophy type 2J; Early-onset myopathy with fatal cardiomyopathy; Hypertrophic cardiomyopathy 9. Last evaluated: 2021-08-12. Review status: criteria provided, single submitter. Criteria: ACMG Guidelines, 2015. Collection method: clinical testing. Allele origin: unknown.

ARUP Laboratories, Molecular Genetics and Genomics, ARUP Laboratories
Classification: Uncertain significance. Last evaluated: 2021-03-10. Review status: criteria provided, single submitter. Criteria: ARUP Molecular Germline Variant Investigation Process 2021. Collection method: clinical testing. Allele origin: germline.
Comment: The TTN c.22090C>T; p.Arg7364Trp variant (rs397517500; ClinVar Variation ID: 46696) is rare in the general population (<0.2% allele frequency in the Genome Aggregation Database) and has not been reported in the medical literature in association with dilated cardiomyopathy (DCM) or other TTN-related disease. The clinical relevance of rare missense variants in this gene, which are identified on average once per individual sequenced in affected populations (Herman 2012), is not well understood. Yet, evidence suggests that the vast majority of such missense variants do not contribute to the clinical outcome of DCM (Begay 2015). Thus, the clinical significance of the p.Arg7364Trp variant cannot be determined with certainty. References: Begay RL et al. Role of Titin Missense Variants in Dilated Cardiomyopathy. J Am Heart Assoc. 2015 Nov 13;4(11). Herman DS et al. Truncations of titin causing dilated cardiomyopathy. N Engl J Med. 2012 Feb 16;366(7):619-28. Linke WA and Hamdani N. Gigantic business: titin properties and function through thick and thin. Circ Res 2014; 114(6): 1052-1068.

Labcorp Genetics (formerly Invitae), Labcorp
Classification: Uncertain significance for Dilated cardiomyopathy 1G; Autosomal recessive limb-girdle muscular dystrophy type 2J. Last evaluated: 2017-12-21. Review status: criteria provided, single submitter. Criteria: Invitae Variant Classification Sherloc (09022015). Collection method: clinical testing. Allele origin: germline.

GeneDx
Classification: Uncertain significance. Last evaluated: 2014-02-21. Review status: criteria provided, single submitter. Criteria: GeneDx Variant Classification (06012015). Collection method: clinical testing. Allele origin: germline. Affected: yes.
Comment: Missense variants in the TTN gene are considered 'unclassified' if they are not previously reported in the literature and do not have >1% frequency in the population to be considered a polymorphism. Research indicates that truncating mutations in the TTN gene are expected to account for approximately 25% of familial and 18% of sporadic idiopathic DCM; however, truncating variants in the TTN gene have been reported in approximately 3% of reported control alleles. There has been little investigation into non-truncating variants. (Herman D et al. Truncations of titin causing dilated cardiomyopathy. N Eng J Med 366:619-628, 2012) The variant is found in DCM-CRDM panel(s).

Laboratory for Molecular Medicine, Mass General Brigham Personalized Medicine
Classification: Uncertain significance. Last evaluated: 2012-03-22. Review status: criteria provided, single submitter. Criteria: LMM Criteria. Collection method: clinical testing. Allele origin: germline. Observed: 1 variant allele.
Comment: The Arg6120Trp variant (TTN) has not been reported in the literature nor previou sly identified by our laboratory. Arginine at position 6120 is highly conserved across evolutionarily distant species and computational analyses (biochemical a mino acid properties, PolyPhen2, and SIFT) suggest that the Arg6120Trp variant m ay impact the protein, though this information is not predictive enough to deter mine pathogenicity. In summary, additional data is needed to fully assess the cl inical significance of the Arg6120Trp variant.

Clinical Genetics, Academic Medical Center
Classification: Uncertain significance. Review status: no assertion criteria provided. Collection method: clinical testing. Allele origin: germline. Affected: yes. Study: VKGL Data-share Consensus. Not counted in ClinVar's aggregate classification.

Laboratory of Diagnostic Genome Analysis, Leiden University Medical Center (LUMC)
Classification: Uncertain significance. Review status: no assertion criteria provided. Collection method: clinical testing. Allele origin: germline. Affected: yes. Study: VKGL Data-share Consensus. Not counted in ClinVar's aggregate classification.

Literature cited by the submitters: PubMed 24503780 (cited by Women's Health and Genetics/Laboratory Corporation of America, LabCorp); PubMed 32746448 (cited by Women's Health and Genetics/Laboratory Corporation of America, LabCorp); PubMed 33820833 (cited by Women's Health and Genetics/Laboratory Corporation of America, LabCorp).